The following is an entry in ClinVar:

NM_018131.5(CEP55):c.1256G>A (p.Arg419Lys)

Gene: CEP55 (centrosomal protein 55; plus strand). Cytogenetic location: 10q23.33.
Variant type: single nucleotide variant.
Coding change: c.1256G>A on transcript NM_018131.5 (MANE Select); coding-DNA position 1256, G replaced by A.
Protein change: p.Arg419Lys; replaces arginine 419 with lysine.
Molecular consequence: missense variant.
Genome position (GRCh38, 1-based): chr10:93,528,014, G>A. VCF-style: chr10-93528014-G-A. GRCh37 (hg19) VCF-style: chr10-95287771-G-A.
Other names: c.1256G>A, p.Arg419Lys (NM_001127182.2); short protein forms R419K.
Identifiers: ClinVar variation 2247567 (VCV002247567.5), dbSNP rs751413806, ClinGen allele CA5609154.

ClinVar aggregate classification (germline): Conflicting classifications of pathogenicity. Review status: criteria provided, conflicting classifications (1 of 4 stars). 2 submissions from 2 submitters: Uncertain significance (1); Likely benign (1). Last evaluated 2023-01-05.

Conditions:
Inborn genetic diseases. Identifiers: MedGen C0950123, MeSH D030342.

Allele frequency attached by ClinVar (database versions not stated): ExAC 0.00001; gnomAD 0.00001; gnomAD exomes 0.00001; TOPMed 0.00003.
gnomAD v4.1: 24 of 1,613,910 alleles (0.0015%); highest among the groups gnomAD compares: Non-Finnish European, 0.0019%; no homozygotes.

Submissions (2):

Labcorp Genetics (formerly Invitae), Labcorp
Classification: Uncertain significance. Last evaluated: 2023-01-05. Review status: criteria provided, single submitter. Criteria: Invitae Variant Classification Sherloc (09022015). Collection method: clinical testing. Allele origin: germline.
Comment: Algorithms developed to predict the effect of missense changes on protein structure and function output the following: SIFT: "Tolerated"; PolyPhen-2: "Benign"; Align-GVGD: "Class C0". The lysine amino acid residue is found in multiple mammalian species, which suggests that this missense change does not adversely affect protein function. This variant has not been reported in the literature in individuals affected with CEP55-related conditions. This variant is present in population databases (rs751413806, gnomAD 0.004%). This sequence change replaces arginine, which is basic and polar, with lysine, which is basic and polar, at codon 419 of the CEP55 protein (p.Arg419Lys). In summary, the available evidence is currently insufficient to determine the role of this variant in disease. Therefore, it has been classified as a Variant of Uncertain Significance.

Ambry Genetics
Classification: Likely benign for Inborn genetic diseases. Last evaluated: 2021-08-30. Review status: criteria provided, single submitter. Criteria: Ambry Variant Classification Scheme 2023. Collection method: clinical testing. Allele origin: germline.